The following is an entry in ClinVar:

NM_213720.3(CHCHD10):c.229A>G (p.Ser77Gly)

Gene: CHCHD10 (coiled-coil-helix-coiled-coil-helix domain containing 10; minus strand). Cytogenetic location: 22q11.23.
Variant type: single nucleotide variant.
Coding change: c.229A>G on transcript NM_213720.3 (MANE Select); coding-DNA position 229, A replaced by G.
Protein change: p.Ser77Gly; replaces serine 77 with glycine.
Molecular consequence: missense variant. On other transcripts: non-coding transcript variant (1).
Genome position (GRCh38, 1-based): chr22:23,767,406, T>C on the plus strand (A>G on the coding strand, the complement: CHCHD10 is on the minus strand). VCF-style: chr22-23767406-T-C. GRCh37 (hg19) VCF-style: chr22-24109593-T-C.
Other names: p.Ser77Gly; c.229A>G, p.Ser77Gly (NM_001301339.2); short protein forms S77G.
Identifiers: ClinVar variation 705839 (VCV000705839.14), dbSNP rs370872556, ClinGen allele CA10145288.

ClinVar aggregate classification (germline): Benign/Likely benign. Review status: criteria provided, multiple submitters, no conflicts (2 of 4 stars). 3 submissions from 3 submitters: Benign (1); Likely benign (1). 1 of the submissions does not count toward it. Last evaluated 2026-01-04.

Conditions:
Lower motor neuron syndrome with late-adult onset (SMAJ). Also called: Spinal muscular atrophy, Jokela type; Late-Onset Spinal Motor Neuronopathy (SMAJ). Identifiers: Orphanet 276435, MedGen C3554398, MONDO:0014025, OMIM 615048.
Frontotemporal dementia and/or amyotrophic lateral sclerosis 2. Also called: FTDALS2. Identifiers: Orphanet 275872, MedGen C4014648, MONDO:0014395, OMIM 615911.
Autosomal dominant mitochondrial myopathy with exercise intolerance (IMMD). Also called: Myopathy, isolated mitochondrial, autosomal dominant. Identifiers: Orphanet 457050, MedGen C4015513, MONDO:0014532, OMIM 616209.
CHCHD10-related disorder. Also called: CHCHD10-related condition; CHCHD10-Related Disorders. Identifiers: MedGen CN381526.

Allele frequency attached by ClinVar (database versions not stated): gnomAD exomes 0.00024 and 0.00008; ESP Exome Variant Server 0.00031; gnomAD 0.00115 and 0.00110; 1000 Genomes Project 0.00220; ExAC 0.00028; 1000 Genomes Project 30x 0.00219; TOPMed 0.00132.
gnomAD v4.1: 290 of 1,607,216 alleles (0.018%); highest among the groups gnomAD compares: African/African-American, 0.35%; 2 homozygotes.

Submissions (3):

Labcorp Genetics (formerly Invitae), Labcorp
Classification: Likely benign for Lower motor neuron syndrome with late-adult onset; Frontotemporal dementia and/or amyotrophic lateral sclerosis 2; Autosomal dominant mitochondrial myopathy with exercise intolerance. Last evaluated: 2026-01-04. Review status: criteria provided, single submitter. Criteria: Invitae Variant Classification Sherloc (09022015). Collection method: clinical testing. Allele origin: germline.

Mayo Clinic Laboratories, Mayo Clinic
Classification: Benign. Last evaluated: 2025-09-15. Review status: criteria provided, single submitter. Criteria: ACMG Guidelines, 2015. Collection method: clinical testing. Allele origin: germline. Observed: 2 variant alleles.
Comment: BS1, BS2, BP4_moderate

PreventionGenetics, part of Exact Sciences
Classification: Likely benign for CHCHD10-related condition. Last evaluated: 2022-12-01. Review status: no assertion criteria provided. Collection method: clinical testing. Allele origin: germline. Not counted in ClinVar's aggregate classification.
Comment: This variant is classified as likely benign based on ACMG/AMP sequence variant interpretation guidelines (Richards et al. 2015 PMID: 25741868, with internal and published modifications).